The following is an entry in ClinVar:

ClinVar aggregate classification (germline): Conflicting classifications of pathogenicity. Review status: criteria provided, conflicting classifications (1 of 4 stars). 6 submissions from 6 submitters: Uncertain significance (5); Likely benign (1). Last evaluated 2025-11-09.

Conditions:
Hereditary cancer-predisposing syndrome. Also called: Hereditary Cancer Syndrome; Hereditary neoplastic syndrome; Neoplastic Syndromes, Hereditary; Tumor predisposition. Identifiers: Orphanet 140162, MedGen C0027672, MeSH D009386, MONDO:0015356.
Hereditary breast ovarian cancer syndrome. Also called: BRCA1- and BRCA2-Associated Hereditary Breast and Ovarian Cancer; Hereditary breast and ovarian cancer syndrome (HBOC); Hereditary breast and ovarian cancer; Hereditary breast and ovarian cancer syndrome; Breast and ovarian cancer; Hereditary breast and/or ovarian cancer syndrome. Identifiers: Orphanet 145, MedGen C0677776, MeSH D061325, MONDO:0003582. Disease mechanism: loss of function.

Allele frequency attached by ClinVar (database versions not stated): gnomAD exomes below 0.00001; ExAC 0.00001; gnomAD 0.00001; TOPMed 0.00001.
gnomAD v4.1: 2 of 1,613,670 alleles (0.00012%); highest among the groups gnomAD compares: Admixed American, 0.0033%; no homozygotes.

Submissions (6):

Labcorp Genetics (formerly Invitae), Labcorp
Classification: Uncertain significance for Hereditary breast ovarian cancer syndrome. Last evaluated: 2025-11-09. Review status: criteria provided, single submitter. Criteria: Invitae Variant Classification Sherloc (09022015). Collection method: clinical testing. Allele origin: germline.
Comment: This sequence change replaces aspartic acid, which is acidic and polar, with valine, which is neutral and non-polar, at codon 1343 of the BRCA1 protein (p.Asp1343Val). This variant is present in population databases (rs775339017, gnomAD 0.003%). This missense change has been observed in individual(s) with breast cancer (PMID: 34290354, 38781545). ClinVar contains an entry for this variant (Variation ID: 409318). Invitae Evidence Modeling of protein sequence and biophysical properties (such as structural, functional, and spatial information, amino acid conservation, physicochemical variation, residue mobility, and thermodynamic stability) indicates that this missense variant is not expected to disrupt BRCA1 protein function with a negative predictive value of 95%. In summary, the available evidence is currently insufficient to determine the role of this variant in disease. Therefore, it has been classified as a Variant of Uncertain Significance.

Ambry Genetics
Classification: Uncertain significance for Hereditary cancer-predisposing syndrome. Last evaluated: 2025-10-25. Review status: criteria provided, single submitter. Criteria: Ambry Variant Classification Scheme 2023. Collection method: clinical testing. Allele origin: germline.
Comment: The p.D1343V variant (also known as c.4028A>T), located in coding exon 9 of the BRCA1 gene, results from an A to T substitution at nucleotide position 4028. The aspartic acid at codon 1343 is replaced by valine, an amino acid with highly dissimilar properties. This amino acid position is not well conserved in available vertebrate species. In addition, the in silico prediction for this alteration is inconclusive. Since supporting evidence is limited at this time, the clinical significance of this alteration remains unclear.

Women's Health and Genetics/Laboratory Corporation of America, LabCorp
Classification: Uncertain significance. Last evaluated: 2025-07-15. Review status: criteria provided, single submitter. Criteria: LabCorp Variant Classification Summary - May 2015. Collection method: clinical testing. Allele origin: germline.
Comment: Variant summary: BRCA1 c.4028A>T (p.Asp1343Val) results in a non-conservative amino acid change in the encoded protein sequence. Algorithms developed to predict the effect of missense changes on protein structure and function are either unavailable or do not agree on the potential impact of this missense change. The variant allele was found at a frequency of 4e-06 in 251164 control chromosomes (gnomAD). The available data on variant occurrences in the general population are insufficient to allow any conclusion about variant significance. c.4028A>T has been observed in at-least one individual younger than 40 years who was affected with breast cancer, without providing supportive evidence for causality (Abdel-Razeq_2021), as well as an individual with bile duct cancer (Ando_2024). These reports do not provide unequivocal conclusions about association of the variant with Hereditary Breast And Ovarian Cancer Syndrome. To our knowledge, no experimental evidence demonstrating an impact on protein function has been reported. The following publications have been ascertained in the context of this evaluation (PMID: 34290354, 38781545). ClinVar contains an entry for this variant (Variation ID: 409318). Based on the evidence outlined above, the variant was classified as uncertain significance.

GeneDx
Classification: Uncertain significance. Last evaluated: 2024-03-17. Review status: criteria provided, single submitter. Criteria: GeneDx Variant Classification Process June 2021. Collection method: clinical testing. Allele origin: germline. Affected: yes.
Comment: Observed in individuals with breast cancer (PMID: 34290354); In silico analysis supports that this missense variant does not alter protein structure/function; Not observed at significant frequency in large population cohorts (gnomAD); Also known as 4147A>T; This variant is associated with the following publications: (PMID: 29884841, 32377563, 31911673, 31925297, 31853058, 15343273, 22737296, 34290354)

University of Washington Department of Laboratory Medicine, University of Washington
Classification: Likely benign for Hereditary cancer-predisposing syndrome. Last evaluated: 2023-03-23. Review status: criteria provided, single submitter. Criteria: Dines et al. (Genet Med. 2020). Collection method: curation. Allele origin: germline.
Comment: Missense variant in a coldspot region where missense variants are very unlikely to be pathogenic (PMID:31911673).

BRCA1 coldspot (exon 11 using historical exon numbering). Reclassification based on statistical prior probability

Quest Diagnostics Nichols Institute San Juan Capistrano
Classification: Uncertain significance. Last evaluated: 2019-09-30. Review status: criteria provided, single submitter. Criteria: Quest Diagnostics criteria. Collection method: clinical testing. Allele origin: unknown.

Literature cited by the submitters: PubMed 34290354 (cited by Labcorp Genetics (formerly Invitae), Labcorp and Women's Health and Genetics/Laboratory Corporation of America, LabCorp); PubMed 38781545 (cited by Labcorp Genetics (formerly Invitae), Labcorp and Women's Health and Genetics/Laboratory Corporation of America, LabCorp).

NM_007294.4(BRCA1):c.4028A>T (p.Asp1343Val)

Genes: BRCA1 (BRCA1 DNA repair associated; minus strand), LOC126862571 (BRD4-independent group 4 enhancer GRCh37_chr17:41243136-41244335; plus strand). Cytogenetic location: 17q21.31.
Variant type: single nucleotide variant.
Coding change: c.4028A>T on transcript NM_007294.4 (MANE Select); coding-DNA position 4028, A replaced by T.
Protein change: p.Asp1343Val; replaces aspartic acid 1343 with valine.
Molecular consequence: missense variant. On other transcripts: intron variant (135).
Genome position (GRCh38, 1-based): chr17:43,091,503, T>A on the plus strand (A>T on the coding strand, the complement: BRCA1 is on the minus strand). VCF-style: chr17-43091503-T-A. GRCh37 (hg19) VCF-style: chr17-41243520-T-A.
Other names: c.3902A>T, p.Asp1301Val (NM_001407671.1, NM_001407672.1, NM_001407673.1 and 11 more transcripts); c.3905A>T, p.Asp1302Val (NM_001407674.1, NM_001407675.1, NM_001407676.1 and 19 more transcripts); c.4028A>T, p.Asp1343Val (NM_001407684.1, NM_001407854.1, NM_001407858.1 and 30 more transcripts); c.3887A>T, p.Asp1296Val (NM_001407692.1, NM_001407694.1, NM_001407695.1 and 29 more transcripts); c.3884A>T, p.Asp1295Val (NM_001407740.1, NM_001407741.1, NM_001407742.1 and 20 more transcripts); c.3815A>T, p.Asp1272Val (NM_001407853.1, NM_001407894.1, NM_001407895.1 and 9 more transcripts); c.4025A>T, p.Asp1342Val (NM_001407860.1, NM_001407861.1, NM_001407587.1 and 22 more transcripts); c.3827A>T, p.Asp1276Val (NM_001407862.1); and 41 more; short protein forms D1343V, D1296V, D1175V, D1255V, D1273V, D1317V, D1342V, D475V.
Identifiers: ClinVar variation 409318 (VCV000409318.23), dbSNP rs775339017, ClinGen allele CA059047.